The following continues an entry in ClinVar:

NM_032830.3(UTP4):c.1906C>T (p.Arg636Cys)

Gene: UTP4. ClinVar aggregate classification (germline): Benign. Benign (3).

Submissions 31 to 65 of 65:

Dr. Peter K. Rogan Lab, Western University
No classification provided (evidence only). Condition: Sarcoma. Review status: no classification provided. Collection method: in vitro. Allele origin: not applicable. Functional consequence: retained intron. Not counted in ClinVar's aggregate classification.

Dr. Peter K. Rogan Lab, Western University
No classification provided (evidence only). Condition: Sarcoma. Review status: no classification provided. Collection method: in vitro. Allele origin: not applicable. Functional consequence: retained intron. Not counted in ClinVar's aggregate classification.

Dr. Peter K. Rogan Lab, Western University
No classification provided (evidence only). Condition: Sarcoma. Review status: no classification provided. Collection method: in vitro. Allele origin: not applicable. Functional consequence: skipped exon, retained intron. Not counted in ClinVar's aggregate classification.

Dr. Peter K. Rogan Lab, Western University
No classification provided (evidence only). Condition: Sarcoma. Review status: no classification provided. Collection method: in vitro. Allele origin: not applicable. Functional consequence: retained intron. Not counted in ClinVar's aggregate classification.

Dr. Peter K. Rogan Lab, Western University
No classification provided (evidence only). Condition: Malignant lymphoma, large B-cell, diffuse. Review status: no classification provided. Collection method: in vitro. Allele origin: not applicable. Functional consequence: retained intron. Not counted in ClinVar's aggregate classification.

Dr. Peter K. Rogan Lab, Western University
No classification provided (evidence only). Condition: Hepatocellular carcinoma. Review status: no classification provided. Collection method: in vitro. Allele origin: not applicable. Functional consequence: retained intron. Not counted in ClinVar's aggregate classification.

Dr. Peter K. Rogan Lab, Western University
No classification provided (evidence only). Condition: Hepatocellular carcinoma. Review status: no classification provided. Collection method: in vitro. Allele origin: not applicable. Functional consequence: retained intron. Not counted in ClinVar's aggregate classification.

Dr. Peter K. Rogan Lab, Western University
No classification provided (evidence only). Condition: Hepatocellular carcinoma. Review status: no classification provided. Collection method: in vitro. Allele origin: not applicable. Functional consequence: retained intron. Not counted in ClinVar's aggregate classification.

Dr. Peter K. Rogan Lab, Western University
No classification provided (evidence only). Condition: Hepatocellular carcinoma. Review status: no classification provided. Collection method: in vitro. Allele origin: not applicable. Functional consequence: retained intron. Not counted in ClinVar's aggregate classification.

Dr. Peter K. Rogan Lab, Western University
No classification provided (evidence only). Condition: Hepatocellular carcinoma. Review status: no classification provided. Collection method: in vitro. Allele origin: not applicable. Functional consequence: retained intron. Not counted in ClinVar's aggregate classification.

Dr. Peter K. Rogan Lab, Western University
No classification provided (evidence only). Condition: Hepatocellular carcinoma. Review status: no classification provided. Collection method: in vitro. Allele origin: not applicable. Functional consequence: retained intron. Not counted in ClinVar's aggregate classification.

Dr. Peter K. Rogan Lab, Western University
No classification provided (evidence only). Condition: Hepatocellular carcinoma. Review status: no classification provided. Collection method: in vitro. Allele origin: not applicable. Functional consequence: retained intron. Not counted in ClinVar's aggregate classification.

Dr. Peter K. Rogan Lab, Western University
No classification provided (evidence only). Condition: Hepatocellular carcinoma. Review status: no classification provided. Collection method: in vitro. Allele origin: not applicable. Functional consequence: retained intron. Not counted in ClinVar's aggregate classification.

Dr. Peter K. Rogan Lab, Western University
No classification provided (evidence only). Condition: Hepatocellular carcinoma. Review status: no classification provided. Collection method: in vitro. Allele origin: not applicable. Functional consequence: retained intron. Not counted in ClinVar's aggregate classification.

Dr. Peter K. Rogan Lab, Western University
No classification provided (evidence only). Condition: Hepatocellular carcinoma. Review status: no classification provided. Collection method: in vitro. Allele origin: not applicable. Functional consequence: skipped exon. Not counted in ClinVar's aggregate classification.

Dr. Peter K. Rogan Lab, Western University
No classification provided (evidence only). Condition: Nonpapillary renal cell carcinoma. Review status: no classification provided. Collection method: in vitro. Allele origin: not applicable. Functional consequence: skipped exon, retained intron. Not counted in ClinVar's aggregate classification.

Dr. Peter K. Rogan Lab, Western University
No classification provided (evidence only). Condition: Nonpapillary renal cell carcinoma. Review status: no classification provided. Collection method: in vitro. Allele origin: not applicable. Functional consequence: retained intron. Not counted in ClinVar's aggregate classification.

Dr. Peter K. Rogan Lab, Western University
No classification provided (evidence only). Condition: Nonpapillary renal cell carcinoma. Review status: no classification provided. Collection method: in vitro. Allele origin: not applicable. Functional consequence: skipped exon. Not counted in ClinVar's aggregate classification.

Dr. Peter K. Rogan Lab, Western University
No classification provided (evidence only). Condition: Thymoma. Review status: no classification provided. Collection method: in vitro. Allele origin: not applicable. Functional consequence: skipped exon, retained intron. Not counted in ClinVar's aggregate classification.

Dr. Peter K. Rogan Lab, Western University
No classification provided (evidence only). Condition: Thymoma. Review status: no classification provided. Collection method: in vitro. Allele origin: not applicable. Functional consequence: retained intron. Not counted in ClinVar's aggregate classification.

Dr. Peter K. Rogan Lab, Western University
No classification provided (evidence only). Condition: Thymoma. Review status: no classification provided. Collection method: in vitro. Allele origin: not applicable. Functional consequence: retained intron. Not counted in ClinVar's aggregate classification.

Dr. Peter K. Rogan Lab, Western University
No classification provided (evidence only). Condition: Thymoma. Review status: no classification provided. Collection method: in vitro. Allele origin: not applicable. Functional consequence: retained intron. Not counted in ClinVar's aggregate classification.

Dr. Peter K. Rogan Lab, Western University
No classification provided (evidence only). Condition: Thymoma. Review status: no classification provided. Collection method: in vitro. Allele origin: not applicable. Functional consequence: retained intron. Not counted in ClinVar's aggregate classification.

Dr. Peter K. Rogan Lab, Western University
No classification provided (evidence only). Condition: Adrenocortical carcinoma, hereditary. Review status: no classification provided. Collection method: in vitro. Allele origin: not applicable. Functional consequence: retained intron. Not counted in ClinVar's aggregate classification.

Dr. Peter K. Rogan Lab, Western University
No classification provided (evidence only). Condition: Adrenocortical carcinoma, hereditary. Review status: no classification provided. Collection method: in vitro. Allele origin: not applicable. Functional consequence: retained intron. Not counted in ClinVar's aggregate classification.

Dr. Peter K. Rogan Lab, Western University
No classification provided (evidence only). Condition: Adrenocortical carcinoma, hereditary. Review status: no classification provided. Collection method: in vitro. Allele origin: not applicable. Functional consequence: retained intron. Not counted in ClinVar's aggregate classification.

Dr. Peter K. Rogan Lab, Western University
No classification provided (evidence only). Condition: Uterine carcinosarcoma. Review status: no classification provided. Collection method: in vitro. Allele origin: not applicable. Functional consequence: retained intron. Not counted in ClinVar's aggregate classification.

Dr. Peter K. Rogan Lab, Western University
No classification provided (evidence only). Condition: Uterine carcinosarcoma. Review status: no classification provided. Collection method: in vitro. Allele origin: not applicable. Functional consequence: retained intron. Not counted in ClinVar's aggregate classification.

Dr. Peter K. Rogan Lab, Western University
No classification provided (evidence only). Condition: Uveal melanoma. Review status: no classification provided. Collection method: in vitro. Allele origin: not applicable. Functional consequence: retained intron. Not counted in ClinVar's aggregate classification.

Dr. Peter K. Rogan Lab, Western University
No classification provided (evidence only). Condition: Uveal melanoma. Review status: no classification provided. Collection method: in vitro. Allele origin: not applicable. Functional consequence: retained intron. Not counted in ClinVar's aggregate classification.

Dr. Peter K. Rogan Lab, Western University
No classification provided (evidence only). Condition: Uveal melanoma. Review status: no classification provided. Collection method: in vitro. Allele origin: not applicable. Functional consequence: retained intron. Not counted in ClinVar's aggregate classification.

Dr. Peter K. Rogan Lab, Western University
No classification provided (evidence only). Condition: Uveal melanoma. Review status: no classification provided. Collection method: in vitro. Allele origin: not applicable. Functional consequence: retained intron. Not counted in ClinVar's aggregate classification.

Dr. Peter K. Rogan Lab, Western University
No classification provided (evidence only). Condition: Uveal melanoma. Review status: no classification provided. Collection method: in vitro. Allele origin: not applicable. Functional consequence: retained intron. Not counted in ClinVar's aggregate classification.

Dr. Peter K. Rogan Lab, Western University
No classification provided (evidence only). Condition: Uveal melanoma. Review status: no classification provided. Collection method: in vitro. Allele origin: not applicable. Functional consequence: retained intron. Not counted in ClinVar's aggregate classification.

Dr. Peter K. Rogan Lab, Western University
No classification provided (evidence only). Condition: Uveal melanoma. Review status: no classification provided. Collection method: in vitro. Allele origin: not applicable. Functional consequence: retained intron. Not counted in ClinVar's aggregate classification.